The following is an entry in ClinVar:

ClinVar aggregate classification (germline): Uncertain significance (1 of 4 stars; one submission).

Allele frequency attached by ClinVar (database versions not stated): gnomAD exomes 0.00004 and 0.00012; gnomAD 0.00034 and 0.00035; TOPMed 0.00043.
gnomAD v4.1: 73 of 1,550,202 alleles (0.0047%); highest among the groups gnomAD compares: Admixed American, 0.14%; no homozygotes.

Submission:

Labcorp Genetics (formerly Invitae), Labcorp
Classification: Uncertain significance. Last evaluated: 2025-12-29. Review status: criteria provided, single submitter. Criteria: Invitae Variant Classification Sherloc (09022015). Collection method: clinical testing. Allele origin: germline.
Comment: This sequence change replaces alanine, which is neutral and non-polar, with valine, which is neutral and non-polar, at codon 38 of the TCF3 protein (p.Ala38Val). This variant is present in population databases (no rsID available, gnomAD 0.08%). This variant has not been reported in the literature in individuals affected with TCF3-related conditions. ClinVar contains an entry for this variant (Variation ID: 1508853). Invitae Evidence Modeling of protein sequence and biophysical properties (such as structural, functional, and spatial information, amino acid conservation, physicochemical variation, residue mobility, and thermodynamic stability) indicates that this missense variant is not expected to disrupt TCF3 protein function with a negative predictive value of 80%. In summary, the available evidence is currently insufficient to determine the role of this variant in disease. Therefore, it has been classified as a Variant of Uncertain Significance.

NM_003200.5(TCF3):c.113C>T (p.Ala38Val)

Gene: TCF3 (transcription factor 3; minus strand). Cytogenetic location: 19p13.3.
Variant type: single nucleotide variant.
Coding change: c.113C>T on transcript NM_003200.5 (MANE Select); coding-DNA position 113, C replaced by T.
Protein change: p.Ala38Val; replaces alanine 38 with valine.
Molecular consequence: missense variant.
Genome position (GRCh38, 1-based): chr19:1,646,387, G>A on the plus strand (C>T on the coding strand, the complement: TCF3 is on the minus strand). VCF-style: chr19-1646387-G-A. GRCh37 (hg19) VCF-style: chr19-1646386-G-A.
Other names: c.113C>T, p.Ala38Val (NM_001136139.4, NM_001351778.2, NM_001351779.2); short protein forms A38V.
Identifiers: ClinVar variation 1508853 (VCV001508853.8), dbSNP rs1348236162, ClinGen allele CA403080280.